The following is an entry in ClinVar:

ClinVar aggregate classification (germline): Uncertain significance (1 of 4 stars; one submission).

Submission:

GeneDx
Classification: Uncertain significance. Last evaluated: 2023-03-24. Review status: criteria provided, single submitter. Criteria: GeneDx Variant Classification Process June 2021. Collection method: clinical testing. Allele origin: germline. Affected: yes.
Comment: Not observed at significant frequency in large population cohorts (gnomAD); In silico analysis supports that this missense variant does not alter protein structure/function; Has not been previously published as pathogenic or benign to our knowledge

NM_001182.5(ALDH7A1):c.830A>C (p.Gln277Pro)

Gene: ALDH7A1 (aldehyde dehydrogenase 7 family member A1; minus strand). Cytogenetic location: 5q23.2.
Variant type: single nucleotide variant.
Coding change: c.830A>C on transcript NM_001182.5 (MANE Select); coding-DNA position 830, A replaced by C.
Protein change: p.Gln277Pro; replaces glutamine 277 with proline.
Molecular consequence: missense variant.
Genome position (GRCh38, 1-based): chr5:126,568,300, T>G on the plus strand (A>C on the coding strand, the complement: ALDH7A1 is on the minus strand). VCF-style: chr5-126568300-T-G. GRCh37 (hg19) VCF-style: chr5-125903992-T-G.
Other names: c.746A>C, p.Gln249Pro (NM_001201377.2); c.830A>C, p.Gln277Pro (NM_001202404.2); short protein forms Q249P, Q277P.
Identifiers: ClinVar variation 2580441 (VCV002580441.1), dbSNP rs2480298612, ClinGen allele CA360729319.
Genomic context (GRCh38, chr5:126,568,300, plus strand): 5'-TTAGAAAGCCAACACTTACCAAACCTCTCCTGCACCATCAGGCCCACCTGTTTTCCCACC[T>G]GAGTGCTCCCAGTGAAGGACAGCAGGTTCACTCGTTCATCTTTGGCCATTGCTGTGCTGC-3'
Protein context (NP_001173.2, residues 267-287): VNLLSFTGST[Gln277Pro]VGKQVGLMVQ